The following is an entry in ClinVar:

ClinVar aggregate classification (germline): Likely benign. Review status: criteria provided, multiple submitters, no conflicts (2 of 4 stars). 3 submissions from 3 submitters: Likely benign (3). Last evaluated 2025-11-08.

Conditions:
Inborn genetic diseases. Identifiers: MedGen C0950123, MeSH D030342.
Early-infantile DEE. Also called: Early infantile epileptic encephalopathy with suppression bursts; Early infantile epileptic encephalopathy; Ohtahara syndrome. Identifiers: Orphanet 1934, MedGen C0393706, MONDO:0800491.

Allele frequency attached by ClinVar (database versions not stated): gnomAD exomes below 0.00001; gnomAD 0.00003 and 0.00004; TOPMed 0.00004.
gnomAD v4.1: 11 of 1,613,906 alleles (0.00068%); highest among the groups gnomAD compares: African/African-American, 0.013%; no homozygotes.

Submissions (3):

Labcorp Genetics (formerly Invitae), Labcorp
Classification: Likely benign for Early-infantile DEE. Last evaluated: 2025-11-08. Review status: criteria provided, single submitter. Criteria: Invitae Variant Classification Sherloc (09022015). Collection method: clinical testing. Allele origin: germline.

Ambry Genetics
Classification: Likely benign for Inborn genetic diseases. Last evaluated: 2017-06-28. Review status: criteria provided, single submitter. Criteria: Ambry Variant Classification Scheme 2023. Collection method: clinical testing. Allele origin: germline.

GeneDx
Classification: Likely benign. Last evaluated: 2016-08-22. Review status: criteria provided, single submitter. Criteria: GeneDx Variant Classification (06012015). Collection method: clinical testing. Allele origin: germline. Affected: yes.
Comment: This variant is considered likely benign or benign based on one or more of the following criteria: it is a conservative change, it occurs at a poorly conserved position in the protein, it is predicted to be benign by multiple in silico algorithms, and/or has population frequency not consistent with disease.

NM_001330260.2(SCN8A):c.3090G>A (p.Glu1030=)

Gene: SCN8A (sodium voltage-gated channel alpha subunit 8; plus strand). Cytogenetic location: 12q13.13.
Variant type: single nucleotide variant.
Coding change: c.3090G>A on transcript NM_001330260.2 (MANE Select); coding-DNA position 3090, G replaced by A.
Protein change: p.Glu1030=; no amino-acid change (glutamic acid 1030 retained).
Molecular consequence: synonymous variant.
Genome position (GRCh38, 1-based): chr12:51,769,053, G>A. VCF-style: chr12-51769053-G-A. GRCh37 (hg19) VCF-style: chr12-52162837-G-A.
Other names: c.3090G>A, p.Glu1030= (NM_001177984.3, NM_001369788.1, NM_014191.4).
Identifiers: ClinVar variation 388842 (VCV000388842.11), dbSNP rs1057523246, ClinGen allele CA16607347.
Genomic context (GRCh38, chr12:51,769,053, plus strand): 5'-GACCAAACTAAAGGTGCACGCCTTCATGCAGGCCCACTTTAAGCAGCGTGAGGCTGATGA[G>A]GTGAAGCCTCTGGATGAGTTGTATGAAAAGAAGGCCAACTGTATCGCCAATCACACCGGT-3'
Protein context (NP_001317189.1, residues 1020-1040): QAHFKQREAD[Glu1030=]VKPLDELYEK